The following is an entry in ClinVar:

NM_000094.4(COL7A1):c.4404_4422del (p.Pro1469fs)

Gene: COL7A1 (collagen type VII alpha 1 chain; minus strand). Cytogenetic location: 3p21.31.
Variant type: Deletion.
Coding change: c.4404_4422del on transcript NM_000094.4 (MANE Select); coding-DNA positions 4404 to 4422, 19 bases deleted (CCCACGGGGACCTCCTGGA).
Protein change: p.Pro1469fs; shifts the reading frame from proline 1469.
Molecular consequence: frameshift variant.
Genome position (GRCh38, 1-based): chr3:48,583,408-48,583,426, TCCAGGAGGTCCCCGTGGG deleted on the plus strand (CCCACGGGGACCTCCTGGA on the coding strand, the reverse complement: COL7A1 is on the minus strand). VCF-style (leftmost placement, unchanged base first): chr3-48583407-CTCCAGGAGGTCCCCGTGGG-C. GRCh37 (hg19) VCF-style: chr3-48620840-CTCCAGGAGGTCCCCGTGGG-C.
Other names: short protein forms P1469fs.
Identifiers: ClinVar variation 1398205 (VCV001398205.7), dbSNP rs2107726116, ClinGen allele CA2573137272.
Genomic context (GRCh38, chr3:48,583,407, plus strand): 5'-CCCAGAGTAGCACCCCTCACACCTGAATCCCCCAACTGGTACTCACTTTGGGGCCAATAG[CTCCAGGAGGTCCCCGTGGG>C]CCCTGGAAGGGATGAATTTGGGGGTTCAGAGATTTGGGTTTGGGCATGAGGATGGAGCAG-3'

ClinVar aggregate classification (germline): Pathogenic. Review status: criteria provided, multiple submitters, no conflicts (2 of 4 stars). 2 submissions from 2 submitters: Pathogenic (2). Last evaluated 2024-08-12.

Conditions:
Recessive dystrophic epidermolysis bullosa (RDEB). Also called: severe generalized recessive dystrophic epidermolysis bullosa; epidermolysis bullosa dystrophica, autosomal recessive; Hallopeau-Siemens Disease; EPIDERMOLYSIS BULLOSA DYSTROPHICA, GENERALIZED SEVERE, AUTOSOMAL RECESSIVE; Recessive DEB (RDEB); Epidermolysis Bullosa Distrophica Autosomal Recessive (RDEB). Identifiers: Orphanet 79408, Orphanet 79409, MedGen C0079474, MONDO:0009179, OMIM 226600.

Allele frequency attached by ClinVar (database versions not stated): gnomAD exomes below 0.00001.

Submissions (2):

Myriad Genetics, Inc.
Classification: Pathogenic for Recessive dystrophic epidermolysis bullosa. Last evaluated: 2024-08-12. Review status: criteria provided, single submitter. Criteria: Myriad Autosomal Dominant, Autosomal Recessive and X-Linked Classification Criteria (2023). Collection method: clinical testing. Allele origin: unknown.
Comment: NM_000094.3(COL7A1):c.4404_4422del19(P1469Lfs*235) is expected to be pathogenic in the context of dystrophic epidermolysis bullosa. This variant is predicted to lead to an abnormal or absent protein product due to the creation of a premature termination codon in COL7A1, a gene where loss-of-function variants are known to be pathogenic. Please note: this variant was assessed in the context of healthy population screening.

Labcorp Genetics (formerly Invitae), Labcorp
Classification: Pathogenic. Last evaluated: 2023-10-11. Review status: criteria provided, single submitter. Criteria: Invitae Variant Classification Sherloc (09022015). Collection method: clinical testing. Allele origin: germline.
Comment: This sequence change creates a premature translational stop signal (p.Pro1469Leufs*235) in the COL7A1 gene. It is expected to result in an absent or disrupted protein product. Loss-of-function variants in COL7A1 are known to be pathogenic (PMID: 16971478). This variant is not present in population databases (gnomAD no frequency). This variant has not been reported in the literature in individuals affected with COL7A1-related conditions. ClinVar contains an entry for this variant (Variation ID: 1398205). For these reasons, this variant has been classified as Pathogenic.

Literature cited by the submitters: PubMed 16971478 (cited by Labcorp Genetics (formerly Invitae), Labcorp).